The following is an entry in ClinVar:

NM_001277115.2(DNAH11):c.3236T>C (p.Leu1079Pro)

Genes: DNAH11 (dynein axonemal heavy chain 11; plus strand), LOC126859961 (BRD4-independent group 4 enhancer GRCh37_chr7:21639662-21640861; plus strand). Cytogenetic location: 7p15.3.
Variant type: single nucleotide variant.
Coding change: c.3236T>C on transcript NM_001277115.2 (MANE Select); coding-DNA position 3236, T replaced by C.
Protein change: p.Leu1079Pro; replaces leucine 1079 with proline.
Molecular consequence: missense variant.
Genome position (GRCh38, 1-based): chr7:21,600,911, T>C. VCF-style: chr7-21600911-T-C. GRCh37 (hg19) VCF-style: chr7-21640529-T-C.
Other names: p.Leu1079Pro; short protein forms L1079P.
Identifiers: ClinVar variation 659560 (VCV000659560.10), dbSNP rs371800860, ClinGen allele CA4179557.
Genomic context (GRCh38, chr7:21,600,911, plus strand): 5'-TGTCTTCCGATGAAATGGATGCTCATGCAAATGAAGAAATTCCCGAACAACCACCAACTC[T>C]TGAGCAATTCAAAGAACAGGCAAGGAAAACCCTTAGCATTTAATGTAGTGAAATGGCTTT-3'
Protein context (NP_001264044.1, residues 1069-1089): NEEIPEQPPT[Leu1079Pro]EQFKEQIDIY

ClinVar aggregate classification (germline): Conflicting classifications of pathogenicity. Review status: criteria provided, conflicting classifications (1 of 4 stars). 3 submissions from 3 submitters: Uncertain significance (2); Benign (1). Last evaluated 2026-01-19.

Conditions:
Primary ciliary dyskinesia. Also called: Ciliary dyskinesia. Identifiers: Orphanet 244, MedGen C0008780, MONDO:0016575, HP:0012265.

Allele frequency attached by ClinVar (database versions not stated): ExAC 0.00001; gnomAD exomes 0.00002 and 0.00007; gnomAD 0.00003 and 0.00004; TOPMed 0.00004; ESP Exome Variant Server 0.00008.
gnomAD v4.1: 102 of 1,613,696 alleles (0.0063%); highest among the groups gnomAD compares: Non-Finnish European, 0.0082%; no homozygotes.

Submissions (3):

Labcorp Genetics (formerly Invitae), Labcorp
Classification: Benign for Primary ciliary dyskinesia. Last evaluated: 2026-01-19. Review status: criteria provided, single submitter. Criteria: Invitae Variant Classification Sherloc (09022015). Collection method: clinical testing. Allele origin: germline.

Mayo Clinic Laboratories, Mayo Clinic
Classification: Uncertain significance. Last evaluated: 2025-10-10. Review status: criteria provided, single submitter. Criteria: ACMG Guidelines, 2015. Collection method: clinical testing. Allele origin: germline. Observed: 1 variant allele.
Comment: BP4

Ambry Genetics
Classification: Uncertain significance for Primary ciliary dyskinesia. Last evaluated: 2025-08-05. Review status: criteria provided, single submitter. Criteria: Ambry Variant Classification Scheme 2023. Collection method: clinical testing. Allele origin: germline.